The following is an entry in ClinVar:

ClinVar aggregate classification (germline): Benign/Likely benign. Review status: criteria provided, multiple submitters, no conflicts (2 of 4 stars). 9 submissions from 9 submitters: Benign (3); Likely benign (3). 3 of the submissions do not count toward it. Last evaluated 2026-09-01.

Conditions:
KCNC3-related disorder. Also called: KCNC3-related condition.
Spinocerebellar ataxia type 13 (SCA13). Also called: Spinocerebellar Ataxia Type13. Identifiers: Orphanet 98768, MedGen C1854488, MONDO:0011529, OMIM 605259.
Inborn genetic diseases. Identifiers: MedGen C0950123, MeSH D030342.

Allele frequency attached by ClinVar (database versions not stated): ExAC 0.00079; 1000 Genomes Project 0.00120; 1000 Genomes Project 30x 0.00141; gnomAD exomes 0.00261 and 0.00631; TOPMed 0.00305; gnomAD 0.00320 and 0.00331.
gnomAD v4.1: 8,483 of 1,428,270 alleles (0.59%); highest among the groups gnomAD compares: Non-Finnish European, 0.75%; 30 homozygotes.

Submissions (9):

CeGaT Center for Human Genetics Tuebingen
Classification: Benign. Last evaluated: 2026-09-01. Review status: criteria provided, single submitter. Criteria: CeGaT Center For Human Genetics Tuebingen Variant Classification Criteria Version 2. Collection method: clinical testing. Allele origin: germline. Affected: yes. Observed: 23 variant alleles.
Comment: KCNC3: PP3, BS1, BS2

Labcorp Genetics (formerly Invitae), Labcorp
Classification: Benign. Last evaluated: 2026-01-15. Review status: criteria provided, single submitter. Criteria: Invitae Variant Classification Sherloc (09022015). Collection method: clinical testing. Allele origin: germline.

Mayo Clinic Laboratories, Mayo Clinic
Classification: Likely benign. Last evaluated: 2025-11-06. Review status: criteria provided, single submitter. Criteria: ACMG Guidelines, 2015. Collection method: clinical testing. Allele origin: germline. Observed: 3 variant alleles.
Comment: BS1, BS2

Blueprint Genetics
Classification: Likely benign. Last evaluated: 2024-11-20. Review status: criteria provided, single submitter. Criteria: ACMG Guidelines, 2015. Collection method: clinical testing. Allele origin: germline.

Athena Diagnostics
Classification: Benign. Last evaluated: 2023-11-21. Review status: criteria provided, single submitter. Criteria: Athena Diagnostics Criteria. Collection method: clinical testing. Allele origin: unknown.

Ambry Genetics
Classification: Likely benign for Inborn genetic diseases. Last evaluated: 2021-10-09. Review status: criteria provided, single submitter. Criteria: Ambry Variant Classification Scheme 2023. Collection method: clinical testing. Allele origin: germline.

O&I group, Department of Genetics, University Medical Center of Groningen
Classification: Likely pathogenic for Spinocerebellar ataxia type 13. Last evaluated: 2021-07-22. Review status: no assertion criteria provided. Collection method: research. Allele origin: de novo. Affected: yes. Not counted in ClinVar's aggregate classification.

PreventionGenetics, part of Exact Sciences
Classification: Benign for KCNC3-related condition. Last evaluated: 2019-12-09. Review status: no assertion criteria provided. Collection method: clinical testing. Allele origin: germline. Not counted in ClinVar's aggregate classification.
Comment: This variant is classified as benign based on ACMG/AMP sequence variant interpretation guidelines (Richards et al. 2015 PMID: 25741868, with internal and published modifications).

Department of Pathology and Laboratory Medicine, Sinai Health System
Classification: Likely benign. Review status: no assertion criteria provided. Collection method: clinical testing. Allele origin: unknown. Affected: yes. Study: The Canadian Open Genetics Repository (COGR). Not counted in ClinVar's aggregate classification.
Comment: The KCNC3 p.Ser591Gly variant was identified in 5/848 spinocerebellar ataxia Dutch cases (Duarri_2015_PMID: 25756792). Among the five cases, three were familial and the age of onset ranged from 10-70 years. In one family, the unaffected father of the probands was a carrier of this variant, which is inconsistent with the autosomal dominant mode of inheritance for spinocerebellar ataxia. The variant was identified in dbSNP (ID: rs549394447) and ClinVar (classified as benign by Invitae). The variant was identified in control databases in 441 of 166378 chromosomes (1 homozygous) at a frequency of 0.002651 increasing the likelihood this could be a low frequency benign variant (Genome Aggregation Database March 6, 2019, v2.1.1). The variant was observed in the following populations: European (non-Finnish) in 352 of 67758 chromosomes (freq: 0.005195), Other in 13 of 5182 chromosomes (freq: 0.002509), European (Finnish) in 24 of 9874 chromosomes (freq: 0.002431), African in 18 of 15124 chromosomes (freq: 0.00119), Latino in 26 of 25370 chromosomes (freq: 0.001025) and South Asian in 8 of 22504 chromosomes (freq: 0.000356), but was not observed in the Ashkenazi Jewish or East Asian populations. The p.Ser591 residue is conserved in mammals but not in more distantly related organisms however computational analyses (PolyPhen-2, SIFT, AlignGVGD, BLOSUM, MutationTaster) do not suggest a high likelihood of impact to the protein; this information is not predictive enough to rule out pathogenicity. Functional analysis revealed that voltage-gated potassium channels carrying the p.S591G variant exhibited significantly reduced activity compared to wildtype (Duarri_2015_PMID: 25756792). The variant occurs outside of the splicing consensus sequence and three of four in silico or computational prediction software programs (SpliceSiteFinder, MaxEntScan, NNSPLICE, GeneSplicer) do not predict a difference in splicing. In summary, based on the above information the clinical significance of this variant cannot be determined with certainty at this time although we would lean towards a more benign role for this variant. This variant is classified as likely benign.

Literature cited by the submitters: PubMed 25756792 (cited by Mayo Clinic Laboratories, Mayo Clinic and Athena Diagnostics); PubMed 26943780 (cited by Mayo Clinic Laboratories, Mayo Clinic and Athena Diagnostics); PubMed 35401678 (cited by Mayo Clinic Laboratories, Mayo Clinic and Athena Diagnostics); PubMed 26442672 (cited by Athena Diagnostics); DOI 10.3389/fgene.2022.782685 (cited by O&I group, Department of Genetics, University Medical Center of Groningen).

NM_004977.3(KCNC3):c.1771A>G (p.Ser591Gly)

Gene: KCNC3 (potassium voltage-gated channel subfamily C member 3; minus strand). Cytogenetic location: 19q13.33.
Variant type: single nucleotide variant.
Coding change: c.1771A>G on transcript NM_004977.3 (MANE Select); coding-DNA position 1771, A replaced by G.
Protein change: p.Ser591Gly; replaces serine 591 with glycine.
Molecular consequence: missense variant.
Genome position (GRCh38, 1-based): chr19:50,323,182, T>C on the plus strand (A>G on the coding strand, the complement: KCNC3 is on the minus strand). VCF-style: chr19-50323182-T-C. GRCh37 (hg19) VCF-style: chr19-50826439-T-C.
Other names: p.Ser591Gly; c.1543A>G, p.Ser515Gly (NM_001372305.1); short protein forms S591G, S515G.
Identifiers: ClinVar variation 710785 (VCV000710785.68), dbSNP rs549394447, ClinGen allele CA9594171.